The following is an entry in ClinVar:

ClinVar aggregate classification (germline): Uncertain significance (1 of 4 stars; one submission).

Allele frequency attached by ClinVar (database versions not stated): gnomAD exomes 0.00001; gnomAD 0.00002; ExAC 0.00001; TOPMed 0.00002.
gnomAD v4.1: 21 of 1,575,100 alleles (0.0013%); highest among the groups gnomAD compares: Middle Eastern, 0.1%; no homozygotes.

Submission:

Labcorp Genetics (formerly Invitae), Labcorp
Classification: Uncertain significance. Last evaluated: 2025-03-31. Review status: criteria provided, single submitter. Criteria: Invitae Variant Classification Sherloc (09022015). Collection method: clinical testing. Allele origin: germline.
Comment: This sequence change falls in intron 16 of the GUF1 gene. It does not directly change the encoded amino acid sequence of the GUF1 protein. This variant is present in population databases (rs774252231, gnomAD 0.004%). This variant has not been reported in the literature in individuals affected with GUF1-related conditions. ClinVar contains an entry for this variant (Variation ID: 2967201). Algorithms developed to predict the effect of sequence changes on RNA splicing suggest that this variant may disrupt the consensus splice site. In summary, the available evidence is currently insufficient to determine the role of this variant in disease. Therefore, it has been classified as a Variant of Uncertain Significance.

NM_021927.3(GUF1):c.1873-12A>G

Gene: GUF1 (GTP binding elongation factor GUF1; plus strand). Cytogenetic location: 4p12.
Variant type: single nucleotide variant.
Coding change: c.1873-12A>G on transcript NM_021927.3 (MANE Select); 12 bases into the intron before coding-DNA position 1873, A replaced by G.
Molecular consequence: intron variant.
Genome position (GRCh38, 1-based): chr4:44,698,532, A>G. VCF-style: chr4-44698532-A-G. GRCh37 (hg19) VCF-style: chr4-44700549-A-G.
Other names: c.1753-12A>G (NM_001345868.2); c.901-12A>G (NM_001345867.2, NM_001345869.2).
Identifiers: ClinVar variation 2967201 (VCV002967201.3), dbSNP rs774252231, ClinGen allele CA2905813.